The following is an entry in ClinVar:

NM_213599.3(ANO5):c.2569G>A (p.Val857Ile)

Gene: ANO5 (anoctamin 5; plus strand). Cytogenetic location: 11p14.3.
Variant type: single nucleotide variant.
Coding change: c.2569G>A on transcript NM_213599.3 (MANE Select); coding-DNA position 2569, G replaced by A.
Protein change: p.Val857Ile; replaces valine 857 with isoleucine.
Molecular consequence: missense variant.
Genome position (GRCh38, 1-based): chr11:22,279,592, G>A. VCF-style: chr11-22279592-G-A. GRCh37 (hg19) VCF-style: chr11-22301138-G-A.
Other names: c.2566G>A, p.Val856Ile (NM_001142649.2); short protein forms V856I, V857I.
Identifiers: ClinVar variation 1060521 (VCV001060521.9), dbSNP rs1346740717, ClinGen allele CA379924948.

ClinVar aggregate classification (germline): Uncertain significance (1 of 4 stars; one submission).

Conditions:
Autosomal recessive limb-girdle muscular dystrophy type 2L (LGMDR12). Also called: Limb-girdle muscular dystrophy, type 2L; MUSCULAR DYSTROPHY, LIMB-GIRDLE, AUTOSOMAL RECESSIVE 12; Limb-Girdle Muscular Dystrophy R12 Anoctamin-5-Related (LGMD-R12). Identifiers: Orphanet 206549, MedGen C1969785, MONDO:0012652, OMIM 611307.
Gnathodiaphyseal dysplasia (GDD). Also called: OSTEOGENESIS IMPERFECTA WITH UNUSUAL SKELETAL LESIONS; GNATHODIAPHYSEAL SCLEROSIS. Identifiers: Orphanet 53697, MedGen C1833736, MONDO:0008151, OMIM 166260.

Allele frequency attached by ClinVar (database versions not stated): gnomAD exomes 0.00001 and 0.00003; TOPMed 0.00006; gnomAD 0.00007.
gnomAD v4.1: 21 of 1,612,768 alleles (0.0013%); highest among the groups gnomAD compares: Admixed American, 0.027%; no homozygotes.

Submission:

Labcorp Genetics (formerly Invitae), Labcorp
Classification: Uncertain significance for Autosomal recessive limb-girdle muscular dystrophy type 2L; Gnathodiaphyseal dysplasia. Last evaluated: 2022-08-16. Review status: criteria provided, single submitter. Criteria: Invitae Variant Classification Sherloc (09022015). Collection method: clinical testing. Allele origin: germline.
Comment: In summary, the available evidence is currently insufficient to determine the role of this variant in disease. Therefore, it has been classified as a Variant of Uncertain Significance. Advanced modeling of protein sequence and biophysical properties (such as structural, functional, and spatial information, amino acid conservation, physicochemical variation, residue mobility, and thermodynamic stability) performed at Invitae indicates that this missense variant is not expected to disrupt ANO5 protein function. ClinVar contains an entry for this variant (Variation ID: 1060521). This variant has not been reported in the literature in individuals affected with ANO5-related conditions. This variant is present in population databases (no rsID available, gnomAD 0.02%). This sequence change replaces valine, which is neutral and non-polar, with isoleucine, which is neutral and non-polar, at codon 857 of the ANO5 protein (p.Val857Ile).